The following is an entry in ClinVar:

ClinVar aggregate classification (germline): Uncertain significance (1 of 4 stars; one submission).

Allele frequency attached by ClinVar (database versions not stated): gnomAD 0.00002; TOPMed 0.00002; ExAC 0.00007.
gnomAD v4.1: 30 of 1,613,912 alleles (0.0019%); highest among the groups gnomAD compares: Admixed American, 0.032%; no homozygotes.

Submission:

Labcorp Genetics (formerly Invitae), Labcorp
Classification: Uncertain significance. Last evaluated: 2022-11-28. Review status: criteria provided, single submitter. Criteria: Invitae Variant Classification Sherloc (09022015). Collection method: clinical testing. Allele origin: germline.
Comment: In summary, the available evidence is currently insufficient to determine the role of this variant in disease. Therefore, it has been classified as a Variant of Uncertain Significance. Advanced modeling of protein sequence and biophysical properties (such as structural, functional, and spatial information, amino acid conservation, physicochemical variation, residue mobility, and thermodynamic stability) performed at Invitae indicates that this missense variant is not expected to disrupt ANO6 protein function. This variant has not been reported in the literature in individuals affected with ANO6-related conditions. This variant is present in population databases (rs763999565, gnomAD 0.03%). This sequence change replaces serine, which is neutral and polar, with alanine, which is neutral and non-polar, at codon 565 of the ANO6 protein (p.Ser565Ala).

NM_001025356.3(ANO6):c.1693T>G (p.Ser565Ala)

Gene: ANO6 (anoctamin 6; plus strand). Cytogenetic location: 12q12.
Variant type: single nucleotide variant.
Coding change: c.1693T>G on transcript NM_001025356.3 (MANE Select); coding-DNA position 1693, T replaced by G.
Protein change: p.Ser565Ala; replaces serine 565 with alanine.
Molecular consequence: missense variant.
Genome position (GRCh38, 1-based): chr12:45,403,152, T>G. VCF-style: chr12-45403152-T-G. GRCh37 (hg19) VCF-style: chr12-45796935-T-G.
Other names: c.1639T>G, p.Ser547Ala (NM_001142678.2); c.1693T>G, p.Ser565Ala (NM_001142679.2); c.1756T>G, p.Ser586Ala (NM_001204803.2); c.1660T>G, p.Ser554Ala (NM_001410973.1); short protein forms S586A, S554A, S547A, S565A.
Identifiers: ClinVar variation 1916795 (VCV001916795.3), dbSNP rs763999565, ClinGen allele CA6525411.